The following is an entry in ClinVar:

ClinVar aggregate classification (germline): Uncertain significance (1 of 4 stars; one submission).

Conditions:
PLXNA2-related disorder. Also called: PLXNA2-related condition.

Submission:

PreventionGenetics, part of Exact Sciences
Classification: Uncertain significance for PLXNA2-related condition. Last evaluated: 2024-12-16. Review status: criteria provided, single submitter. Criteria: ACMG Guidelines, 2015. Collection method: clinical testing. Allele origin: germline.
Comment: The PLXNA2 c.4753A>G variant is predicted to result in the amino acid substitution p.Met1585Val. To our knowledge, this variant has not been reported in the literature or in a large population database (gnomAD), indicating this variant is rare. At this time, the clinical significance of this variant is uncertain due to the absence of conclusive functional and genetic evidence.

NM_025179.4(PLXNA2):c.4753A>G (p.Met1585Val)

Gene: PLXNA2 (plexin A2; minus strand). Cytogenetic location: 1q32.2.
Variant type: single nucleotide variant.
Coding change: c.4753A>G on transcript NM_025179.4 (MANE Select); coding-DNA position 4753, A replaced by G.
Protein change: p.Met1585Val; replaces methionine 1585 with valine.
Molecular consequence: missense variant.
Genome position (GRCh38, 1-based): chr1:208,038,382, T>C on the plus strand (A>G on the coding strand, the complement: PLXNA2 is on the minus strand). VCF-style: chr1-208038382-T-C. GRCh37 (hg19) VCF-style: chr1-208211727-T-C.
Other names: short protein forms M1585V.
Identifiers: ClinVar variation 5000903 (VCV005000903.1).